The following is an entry in ClinVar:

ClinVar aggregate classification (germline): Uncertain significance. Review status: criteria provided, multiple submitters, no conflicts (2 of 4 stars). 3 submissions from 3 submitters: Uncertain significance (3). Last evaluated 2026-03-02.

Conditions:
Gorlin syndrome. Also called: Nevoid Basal Cell Carcinoma Syndrome; Basal cell nevus syndrome. Identifiers: Orphanet 377, MedGen C0004779, MONDO:0007187.
Hereditary cancer-predisposing syndrome. Also called: Neoplastic Syndromes, Hereditary; Hereditary Cancer Syndrome; Hereditary neoplastic syndrome; Tumor predisposition. Identifiers: Orphanet 140162, MedGen C0027672, MeSH D009386, MONDO:0015356.

Submissions (3):

Ambry Genetics
Classification: Uncertain significance for Hereditary cancer-predisposing syndrome. Last evaluated: 2026-03-02. Review status: criteria provided, single submitter. Criteria: Ambry Variant Classification Scheme 2023. Collection method: clinical testing. Allele origin: germline.
Comment: The c.201+3G>T intronic variant results from a G to T substitution 3 nucleotides after coding exon 1 in the PTCH1 gene. This nucleotide position is highly conserved in available vertebrate species. In silico splice site analysis predicts that this alteration will not have any significant effect on splicing. Based on the available evidence, the clinical significance of this variant remains unclear.

Labcorp Genetics (formerly Invitae), Labcorp
Classification: Uncertain significance for Gorlin syndrome. Last evaluated: 2025-09-02. Review status: criteria provided, single submitter. Criteria: Invitae Variant Classification Sherloc (09022015). Collection method: clinical testing. Allele origin: germline.
Comment: This sequence change falls in intron 1 of the PTCH1 gene. It does not directly change the encoded amino acid sequence of the PTCH1 protein. It affects a nucleotide within the consensus splice site. This variant is not present in population databases (gnomAD no frequency). This variant has not been reported in the literature in individuals affected with PTCH1-related conditions. ClinVar contains an entry for this variant (Variation ID: 566982). Variants that disrupt the consensus splice site are a relatively common cause of aberrant splicing (PMID: 17576681, 9536098). Algorithms developed to predict the effect of sequence changes on RNA splicing suggest that this variant is not likely to affect RNA splicing. In summary, the available evidence is currently insufficient to determine the role of this variant in disease. Therefore, it has been classified as a Variant of Uncertain Significance.

Dasa
Classification: Uncertain significance. Last evaluated: 2025-06-29. Review status: criteria provided, single submitter. Criteria: DASA Assertion Criteria. Collection method: clinical testing. Allele origin: germline.
Comment: NM_000264.5(PTCH1):c.201+3G>T is a splice-region variant predicted to affect normal RNA splicing. This variant is absent from population databases. Computational prediction algorithms are consistent with a deleterious effect. The currently available literature and clinical evidence are not sufficient to establish a definitive association between this variant and the reported condition. Therefore, this variant is classified as a variant of uncertain significance.

Literature cited by the submitters: PubMed 17576681 (cited by Labcorp Genetics (formerly Invitae), Labcorp); PubMed 9536098 (cited by Labcorp Genetics (formerly Invitae), Labcorp).

NM_000264.5(PTCH1):c.201+3G>T

Gene: PTCH1 (patched 1; minus strand). Cytogenetic location: 9q22.32.
Variant type: single nucleotide variant.
Coding change: c.201+3G>T on transcript NM_000264.5 (MANE Select); 3 bases into the intron after coding-DNA position 201, G replaced by T.
Molecular consequence: intron variant.
Genome position (GRCh38, 1-based): chr9:95,508,158, C>A on the plus strand (G>T on the coding strand, the complement: PTCH1 is on the minus strand). VCF-style: chr9-95508158-C-A. GRCh37 (hg19) VCF-style: chr9-98270440-C-A.
Other names: c.199-1559G>T (NM_001083603.3); c.4-1559G>T (NM_001083602.3, NM_001354919.2); c.201+3G>T (NM_001354918.2).
Identifiers: ClinVar variation 566982 (VCV000566982.10), dbSNP rs1394306522, ClinGen allele CA891843254.